The following is an entry in ClinVar:

ClinVar aggregate classification (germline): Uncertain significance (1 of 4 stars; one submission).

Conditions:
Inborn genetic diseases. Identifiers: MedGen C0950123, MeSH D030342.

Submission:

Ambry Genetics
Classification: Uncertain significance for Inborn genetic diseases. Last evaluated: 2023-12-22. Review status: criteria provided, single submitter. Criteria: Ambry Variant Classification Scheme 2023. Collection method: clinical testing. Allele origin: germline.
Comment: The p.Q336R variant (also known as c.1007A>G), located in coding exon 9 of the LRRK2 gene, results from an A to G substitution at nucleotide position 1007. The glutamine at codon 336 is replaced by arginine, an amino acid with highly similar properties. This amino acid position is conserved. In addition, this alteration is predicted to be tolerated by in silico analysis. Since supporting evidence is limited at this time, the clinical significance of this alteration remains unclear.

NM_198578.4(LRRK2):c.1007A>G (p.Gln336Arg)

Gene: LRRK2 (leucine rich repeat kinase 2; plus strand). Cytogenetic location: 12q12.
Variant type: single nucleotide variant.
Coding change: c.1007A>G on transcript NM_198578.4 (MANE Select); coding-DNA position 1007, A replaced by G.
Protein change: p.Gln336Arg; replaces glutamine 336 with arginine.
Molecular consequence: missense variant.
Genome position (GRCh38, 1-based): chr12:40,251,280, A>G. VCF-style: chr12-40251280-A-G. GRCh37 (hg19) VCF-style: chr12-40645082-A-G.
Other names: short protein forms Q336R.
Identifiers: ClinVar variation 1787077 (VCV001787077.2), dbSNP rs2499502778, ClinGen allele CA384407796.